The following is an entry in ClinVar:

NM_001042492.3(NF1):c.4020del (p.Gln1341fs)

Gene: NF1 (neurofibromin 1; plus strand). Cytogenetic location: 17q11.2.
Variant type: Deletion.
Coding change: c.4020del on transcript NM_001042492.3 (MANE Select); coding-DNA position 4020, one base deleted (T; older notation c.4020delT).
Protein change: p.Gln1341fs; shifts the reading frame from glutamine 1341.
Molecular consequence: frameshift variant.
Genome position (GRCh38, 1-based): chr17:31,249,029, T deleted; the last of 2 consecutive T bases (chr17:31,249,028-31,249,029); deleting either gives the same sequence. VCF-style (leftmost placement, unchanged base first): chr17-31249027-CT-C. GRCh37 (hg19) VCF-style: chr17-29576045-CT-C.
Other names: c.4020delT (NM_000267.3); c.4020delT, p.Gln1341Argfs (NM_000267.4); short protein forms Q1341fs.
Identifiers: ClinVar variation 577224 (VCV000577224.5), dbSNP rs1567858318, ClinGen allele CA891843821.

ClinVar aggregate classification (germline): Pathogenic (1 of 4 stars; one submission).

Conditions:
Neurofibromatosis, type 1 (NF1). Also called: Peripheral type neurofibromatosis; Neurofibromatosis, type I; VON RECKLINGHAUSEN DISEASE; NEUROFIBROMATOSIS, TYPE I, SOMATIC. Identifiers: Orphanet 636, MedGen C0027831, MONDO:0018975, OMIM 162200. Disease mechanism: loss of function.

Submission:

Labcorp Genetics (formerly Invitae), Labcorp
Classification: Pathogenic for Neurofibromatosis, type 1. Last evaluated: 2018-03-24. Review status: criteria provided, single submitter. Criteria: Invitae Variant Classification Sherloc (09022015). Collection method: clinical testing. Allele origin: germline.
Comment: This sequence change creates a premature translational stop signal (p.Gln1341Argfs*2) in the NF1 gene. It is expected to result in an absent or disrupted protein product. This variant is not present in population databases (ExAC no frequency). This variant has not been reported in the literature in individuals with NF1-related disease. Loss-of-function variants in NF1 are known to be pathogenic (PMID: 10712197, 23913538). For these reasons, this variant has been classified as Pathogenic.

Literature cited by the submitters: PubMed 10712197; PubMed 23913538.